The following is an entry in ClinVar:

ClinVar aggregate classification (germline): Uncertain significance (1 of 4 stars; one submission).

gnomAD v4.1: 2 of 1,614,172 alleles (0.00012%); highest among the groups gnomAD compares: Non-Finnish European, 0.00017%; no homozygotes.

Submission:

Labcorp Genetics (formerly Invitae), Labcorp
Classification: Uncertain significance. Last evaluated: 2025-06-10. Review status: criteria provided, single submitter. Criteria: Invitae Variant Classification Sherloc (09022015). Collection method: clinical testing. Allele origin: germline.
Comment: This sequence change falls in intron 28 of the FLNB gene. It does not directly change the encoded amino acid sequence of the FLNB protein. It affects a nucleotide within the consensus splice site. This variant is not present in population databases (gnomAD no frequency). This variant has not been reported in the literature in individuals affected with FLNB-related conditions. Variants that disrupt the consensus splice site are a relatively common cause of aberrant splicing (PMID: 17576681, 9536098). Algorithms developed to predict the effect of sequence changes on RNA splicing suggest that this variant is not likely to affect RNA splicing. In summary, the available evidence is currently insufficient to determine the role of this variant in disease. Therefore, it has been classified as a Variant of Uncertain Significance.

Literature cited by the submitters: PubMed 17576681; PubMed 9536098.

NM_001457.4(FLNB):c.4861+4A>G

Gene: FLNB (filamin B; plus strand). Cytogenetic location: 3p14.3.
Variant type: single nucleotide variant.
Coding change: c.4861+4A>G on transcript NM_001457.4 (MANE Select); 4 bases into the intron after coding-DNA position 4861, A replaced by G.
Molecular consequence: intron variant.
Genome position (GRCh38, 1-based): chr3:58,136,172, A>G. VCF-style: chr3-58136172-A-G. GRCh37 (hg19) VCF-style: chr3-58121899-A-G.
Other names: c.4954+4A>G (NM_001164317.2); c.4861+4A>G (NM_001164318.2, NM_001164319.2).
Identifiers: ClinVar variation 4698537 (VCV004698537.1).
Genomic context (GRCh38, chr3:58,136,172, plus strand): 5'-CTCCTTATCGCATCCGAGCCACACAGACGGGTGATGCCAGCAAGTGCCTGGCCACGGGTG[A>G]GTACAGGGCATCTCAAGGTCAGGGGCACAGGCTTTGCAATCAGAAAGCCGGGCCGTAGCC-3'